The following is an entry in ClinVar:

ClinVar aggregate classification (germline): Uncertain significance (0 of 4 stars; one submission).

Conditions:
Neurodevelopmental abnormality. Identifiers: MedGen C4022737, HP:0012759.
Echogenic fetal bowel. Identifiers: MedGen C2936423, HP:0010943.
Bilateral fetal pyelectasis. Identifiers: MedGen C4023523, HP:0011129.
Ventriculomegaly. Identifiers: MedGen C1531647, HP:0002119.
Partial agenesis of the corpus callosum (PACC). Also called: Partial agenesis of corpus callosum; Severe intellectual retardation and intractable seizures. Identifiers: MedGen C0431368, HP:0001338.

Submission:

Department of Obstetrics and Gynecology, Montefiore Medical Center
Classification: Uncertain significance for Partial agenesis of the corpus callosum; Ventriculomegaly; Echogenic fetal bowel; Bilateral fetal pyelectasis; Neurodevelopmental abnormality. Last evaluated: 2018-04-01. Review status: no assertion criteria provided. Collection method: clinical testing. Allele origin: unknown. Affected: yes. Observed: 1 variant allele.
Comment: Quadruplication of unknown significance, not previously reported at the site of a known duplication site; new pathogenic variant vs dose dependent phenotype.

Literature cited by the submitters: PubMed 29858378.

GRCh37/hg19 17p13.3(chr17:1-2538512)x4,5

Genes: OVCA2 (OVCA2 serine hydrolase domain containing; plus strand), RPA1 (replication protein A1; plus strand), TLCD2 (TLC domain containing 2; minus strand), RPH3AL (rabphilin 3A like (without C2 domains)), RTN4RL1 (reticulon 4 receptor like 1; minus strand) and 38 more. Cytogenetic location: 17p13.3.
Variant type: copy number gain.
Other names: 17p13.3(1-2538512)x4,5; 17p13.3(525-2529405)x4,5.
Identifiers: ClinVar variation 544685 (VCV000544685.1).